The following is an entry in ClinVar:

NM_001458.5(FLNC):c.224A>T (p.Glu75Val)

Gene: FLNC (filamin C; plus strand). Cytogenetic location: 7q32.1.
Variant type: single nucleotide variant.
Coding change: c.224A>T on transcript NM_001458.5 (MANE Select); coding-DNA position 224, A replaced by T.
Protein change: p.Glu75Val; replaces glutamic acid 75 with valine.
Molecular consequence: missense variant.
Genome position (GRCh38, 1-based): chr7:128,830,861, A>T. VCF-style: chr7-128830861-A-T. GRCh37 (hg19) VCF-style: chr7-128470915-A-T.
Other names: c.224A>T, p.Glu75Val (NM_001127487.2); short protein forms E75V.
Identifiers: ClinVar variation 2565508 (VCV002565508.2), dbSNP rs2536605447, ClinGen allele CA369216419.
Genomic context (GRCh38, chr7:128,830,861, plus strand): 5'-AGCGCCTGACCGACCTGCAGCGCGACCTCAGCGACGGGCTCCGGCTCATCGCGCTGCTCG[A>T]GGTGCTCAGCCAGAAGCGCATGTACCGCAAGTTCCATCCGCGCCCCAACTTCCGCCAAAT-3'
Protein context (NP_001449.3, residues 65-85): SDGLRLIALL[Glu75Val]VLSQKRMYRK

ClinVar aggregate classification (germline): Uncertain significance (1 of 4 stars; one submission).

Conditions:
Cardiovascular phenotype. Identifiers: MedGen CN230736.

Submission:

Ambry Genetics
Classification: Uncertain significance for Cardiovascular phenotype. Last evaluated: 2023-03-25. Review status: criteria provided, single submitter. Criteria: Ambry Variant Classification Scheme 2023. Collection method: clinical testing. Allele origin: germline.
Comment: The p.E75V variant (also known as c.224A>T), located in coding exon 1 of the FLNC gene, results from an A to T substitution at nucleotide position 224. The glutamic acid at codon 75 is replaced by valine, an amino acid with dissimilar properties. This amino acid position is conserved. In addition, this alteration is predicted to be deleterious by in silico analysis. Since supporting evidence is limited at this time, the clinical significance of this alteration remains unclear.